The following is an entry in ClinVar:

ClinVar aggregate classification (germline): Pathogenic (1 of 4 stars; one submission).

Conditions:
Tuberous sclerosis 2 (TSC2). Identifiers: Orphanet 805, MedGen C1860707, MONDO:0013199, OMIM 613254.

Submission:

Institute of Human Genetics, University of Leipzig Medical Center
Classification: Pathogenic for Tuberous sclerosis 2. Last evaluated: 2025-12-15. Review status: criteria provided, single submitter. Criteria: ACMG Guidelines, 2015. Collection method: clinical testing. Allele origin: unknown. Inheritance: Autosomal dominant inheritance. Affected: yes.
Comment: Criteria applied: PVS1,PM2

NM_000548.5(TSC2):c.3002_3003dup (p.Ser1002fs)

Gene: TSC2 (TSC complex subunit 2; plus strand). Cytogenetic location: 16p13.3.
Variant type: Duplication.
Coding change: c.3002_3003dup on transcript NM_000548.5 (MANE Select); coding-DNA positions 3002 to 3003, 2 bases duplicated (GG; older notation c.3002_3003dupGG).
Protein change: p.Ser1002fs; shifts the reading frame from serine 1002.
Molecular consequence: frameshift variant. On other transcripts: non-coding transcript variant (5).
Genome position (GRCh38, 1-based): chr16:2,079,067-2,079,068, GG duplicated; duplicating any 2 consecutive bases within chr16:2,079,065-2,079,068 gives the same sequence; the c. name uses the placement nearest the transcript's 3' end. VCF-style (leftmost placement, unchanged base first): chr16-2079064-T-TGG. GRCh37 (hg19) VCF-style: chr16-2129065-T-TGG.
Other names: c.2870_2871dup, p.Ser958fs (NM_001077183.3, NM_001370404.1, NM_001406665.1); c.3002_3003dup, p.Ser1002fs (NM_001114382.3); c.2762_2763dup, p.Ser922fs (NM_001318827.2); c.2726_2727dup, p.Ser910fs (NM_001318829.2); c.2270_2271dup, p.Ser758fs (NM_001318831.2, NM_001406687.1, NM_001406688.1); c.2903_2904dup, p.Ser969fs (NM_001318832.2); c.2873_2874dup, p.Ser959fs (NM_001363528.2, NM_001370405.1, NM_021055.3); c.2999_3000dup, p.Ser1001fs (NM_001406663.1, NM_001406664.1); and 18 more; short protein forms S1001fs, S1002fs, S424fs, S510fs, S511fs, S554fs, S758fs, S759fs.
Identifiers: ClinVar variation 4683115 (VCV004683115.1).
Genomic context (GRCh38, chr16:2,079,064, plus strand): 5'-TGACCCTGGTCACGGCCTCTCCCTCCAGCAGGATACAGACGTCCCTCACCAGTGCCAGCT[T>TGG]GGGGTCTGCAGATGAGAACTCCGTGGCCCAGGCTGACGATAGCCTGAAAAACCTCCACCT-3'